The following is an entry in ClinVar:

ClinVar aggregate classification (germline): Conflicting classifications of pathogenicity. Review status: criteria provided, conflicting classifications (1 of 4 stars). 2 submissions from 2 submitters: Uncertain significance (1); Likely benign (1). Last evaluated 2025-01-01.

Conditions:
Inborn genetic diseases. Identifiers: MedGen C0950123, MeSH D030342.

Allele frequency attached by ClinVar (database versions not stated): ExAC 0.00005; gnomAD 0.00025; TOPMed 0.00029.
gnomAD v4.1: 71 of 1,358,174 alleles (0.0052%); highest among the groups gnomAD compares: African/African-American, 0.095%; no homozygotes.

Submissions (2):

Labcorp Genetics (formerly Invitae), Labcorp
Classification: Uncertain significance. Last evaluated: 2025-01-01. Review status: criteria provided, single submitter. Criteria: Invitae Variant Classification Sherloc (09022015). Collection method: clinical testing. Allele origin: germline.
Comment: This sequence change replaces proline, which is neutral and non-polar, with serine, which is neutral and polar, at codon 2668 of the BPTF protein (p.Pro2668Ser). This variant is present in population databases (rs782449768, gnomAD 0.07%), and has an allele count higher than expected for a pathogenic variant. This variant has not been reported in the literature in individuals affected with BPTF-related conditions. ClinVar contains an entry for this variant (Variation ID: 2173126). An algorithm developed to predict the effect of missense changes on protein structure and function outputs the following: PolyPhen-2: "Benign". The serine amino acid residue is found in multiple mammalian species, which suggests that this missense change does not adversely affect protein function. In summary, the available evidence is currently insufficient to determine the role of this variant in disease. Therefore, it has been classified as a Variant of Uncertain Significance.

Ambry Genetics
Classification: Likely benign for Inborn genetic diseases. Last evaluated: 2023-04-13. Review status: criteria provided, single submitter. Criteria: Ambry Variant Classification Scheme 2023. Collection method: clinical testing. Allele origin: germline.

NM_182641.4(BPTF):c.8053C>T (p.Pro2685Ser)

Gene: BPTF (bromodomain PHD finger transcription factor; plus strand). Cytogenetic location: 17q24.2.
Variant type: single nucleotide variant.
Coding change: c.8053C>T on transcript NM_182641.4 (MANE Select); coding-DNA position 8053, C replaced by T.
Protein change: p.Pro2685Ser; replaces proline 2685 with serine.
Molecular consequence: missense variant.
Genome position (GRCh38, 1-based): chr17:67,959,667, C>T. VCF-style: chr17-67959667-C-T. GRCh37 (hg19) VCF-style: chr17-65955783-C-T.
Other names: c.8002C>T, p.Pro2668Ser (NM_004459.7); c.8053C>T (NM_182641.3); short protein forms P2668S, P2685S.
Identifiers: ClinVar variation 2173126 (VCV002173126.6), dbSNP rs782449768, ClinGen allele CA8726509.